The following is an entry in ClinVar:

ClinVar aggregate classification (germline): Uncertain significance. Review status: criteria provided, multiple submitters, no conflicts (2 of 4 stars). 3 submissions from 3 submitters: Uncertain significance (3). Last evaluated 2021-09-23.

Conditions:
Dilated cardiomyopathy 1DD (CMD1DD). Identifiers: Orphanet 154, MedGen C2750995, MONDO:0013168, OMIM 613172.

Submissions (3):

Fulgent Genetics
Classification: Uncertain significance for Dilated cardiomyopathy 1DD. Last evaluated: 2021-09-23. Review status: criteria provided, single submitter. Criteria: ACMG Guidelines, 2015. Collection method: clinical testing. Allele origin: unknown.

Labcorp Genetics (formerly Invitae), Labcorp
Classification: Uncertain significance for Dilated cardiomyopathy 1DD. Last evaluated: 2021-01-05. Review status: criteria provided, single submitter. Criteria: Invitae Variant Classification Sherloc (09022015). Collection method: clinical testing. Allele origin: germline.
Comment: In summary, the available evidence is currently insufficient to determine the role of this variant in disease. Therefore, it has been classified as a Variant of Uncertain Significance. Advanced modeling of protein sequence and biophysical properties (such as structural, functional, and spatial information, amino acid conservation, physicochemical variation, residue mobility, and thermodynamic stability) performed at Invitae indicates that this missense variant is expected to disrupt RBM20 protein function. This variant has not been reported in the literature in individuals with RBM20-related conditions. ClinVar contains an entry for this variant (Variation ID: 917715). This variant is not present in population databases (ExAC no frequency). This sequence change replaces serine with phenylalanine at codon 1195 of the RBM20 protein (p.Ser1195Phe). The serine residue is weakly conserved and there is a large physicochemical difference between serine and phenylalanine.

Women's Health and Genetics/Laboratory Corporation of America, LabCorp
Classification: Uncertain significance. Last evaluated: 2020-02-24. Review status: criteria provided, single submitter. Criteria: LabCorp Variant Classification Summary - May 2015. Collection method: clinical testing. Allele origin: germline.
Comment: Variant summary: RBM20 c.3584C>T (p.Ser1195Phe) results in a non-conservative amino acid change in the encoded protein sequence. Five of five in-silico tools predict a damaging effect of the variant on protein function. The variant was absent in 150986 control chromosomes. The available data on variant occurrences in the general population are insufficient to allow any conclusion about variant significance. To our knowledge, no occurrence of c.3584C>T in individuals affected with Cardiomyopathy and no experimental evidence demonstrating its impact on protein function have been reported. No clinical diagnostic laboratories have submitted clinical-significance assessments for this variant to ClinVar after 2014. Based on the evidence outlined above, the variant was classified as uncertain significance.

NM_001134363.3(RBM20):c.3584C>T (p.Ser1195Phe)

Gene: RBM20 (RNA binding motif protein 20; plus strand). Cytogenetic location: 10q25.2.
Variant type: single nucleotide variant.
Coding change: c.3584C>T on transcript NM_001134363.3 (MANE Select); coding-DNA position 3584, C replaced by T.
Protein change: p.Ser1195Phe; replaces serine 1195 with phenylalanine.
Molecular consequence: missense variant.
Genome position (GRCh38, 1-based): chr10:110,835,878, C>T. VCF-style: chr10-110835878-C-T. GRCh37 (hg19) VCF-style: chr10-112595636-C-T.
Other names: short protein forms S1195F.
Identifiers: ClinVar variation 917715 (VCV000917715.9), dbSNP rs753102653, ClinGen allele CA378387904.